The following is an entry in ClinVar:

ClinVar aggregate classification (germline): Pathogenic. Review status: criteria provided, multiple submitters, no conflicts (2 of 4 stars). 3 submissions from 3 submitters: Pathogenic (3). Last evaluated 2025-10-23.

Conditions:
Tuberous sclerosis syndrome (TSC). Also called: Tuberous sclerosis; Tuberous Sclerosis Complex. Identifiers: Orphanet 805, MedGen C0041341, MONDO:0001734.
Tuberous sclerosis 1 (TSC1). Identifiers: Orphanet 805, MedGen C1854465, MONDO:0008612, OMIM 191100.

Submissions (3):

Cambridge Genomics Laboratory, East Genomic Laboratory Hub, NHS Genomic Medicine Service
Classification: Pathogenic for Tuberous sclerosis. Last evaluated: 2025-10-23. Review status: criteria provided, single submitter. Criteria: ACGS Best Practice Guidelines for Variant Classification in Rare Disease 2020. Collection method: clinical testing. Allele origin: germline. Affected: yes.
Comment: PVS1,PM2

Labcorp Genetics (formerly Invitae), Labcorp
Classification: Pathogenic for Tuberous sclerosis 1. Last evaluated: 2023-04-28. Review status: criteria provided, single submitter. Criteria: Invitae Variant Classification Sherloc (09022015). Collection method: clinical testing. Allele origin: germline.
Comment: This sequence change creates a premature translational stop signal (p.Ser457Lysfs*2) in the TSC1 gene. It is expected to result in an absent or disrupted protein product. Loss-of-function variants in TSC1 are known to be pathogenic (PMID: 10227394, 17304050). This variant is not present in population databases (gnomAD no frequency). This variant has not been reported in the literature in individuals affected with TSC1-related conditions. ClinVar contains an entry for this variant (Variation ID: 419004). For these reasons, this variant has been classified as Pathogenic.

GeneDx
Classification: Pathogenic. Last evaluated: 2015-05-08. Review status: criteria provided, single submitter. Criteria: GeneDx Variant Classification (06012015). Collection method: clinical testing. Allele origin: germline. Affected: yes.
Comment: The c.1367dupT duplication in the TSC1 gene causes a frameshift starting with codon Serine 457, changes thisamino acid to a Lysine residue and creates a premature Stop codon at position 2 of the new reading frame,denoted p.Ser457LysfsX2. This variant is predicted to cause loss of normal protein function eitherthrough protein truncation or nonsense-mediated mRNA decay. Although this variant has not been previouslyreported to our knowledge, we consider it to be pathogenic.

Literature cited by the submitters: PubMed 10227394 (cited by Labcorp Genetics (formerly Invitae), Labcorp); PubMed 17304050 (cited by Labcorp Genetics (formerly Invitae), Labcorp).

NM_000368.5(TSC1):c.1367dup (p.Ser457fs)

Gene: TSC1 (TSC complex subunit 1; minus strand). Cytogenetic location: 9q34.13.
Variant type: Duplication.
Coding change: c.1367dup on transcript NM_000368.5 (MANE Select); coding-DNA position 1367, one base duplicated (T; older notation c.1367dupT).
Protein change: p.Ser457fs; shifts the reading frame from serine 457.
Molecular consequence: frameshift variant.
Genome position (GRCh38, 1-based): chr9:132,906,802, A duplicated on the plus strand (T on the coding strand, the reverse complement: TSC1 is on the minus strand). VCF-style (leftmost placement, unchanged base first): chr9-132906801-T-TA. GRCh37 (hg19) VCF-style: chr9-135782188-T-TA.
Other names: c.1367dupT (NM_000368.4); c.1364dup, p.Ser456fs (NM_001162426.2); c.1214dup, p.Ser406fs (NM_001162427.2); c.1004dup, p.Ser336fs (NM_001362177.2); short protein forms S336fs, S406fs, S456fs, S457fs.
Identifiers: ClinVar variation 419004 (VCV000419004.8), dbSNP rs1554816245, ClinGen allele CA16618773.